The following is an entry in ClinVar:

ClinVar aggregate classification (germline): Pathogenic (1 of 4 stars; one submission).

Submission:

Labcorp Genetics (formerly Invitae), Labcorp
Classification: Pathogenic. Last evaluated: 2021-02-07. Review status: criteria provided, single submitter. Criteria: Invitae Variant Classification Sherloc (09022015). Collection method: clinical testing. Allele origin: germline.
Comment: This sequence change creates a premature translational stop signal (p.Asn250Lysfs*12) in the CNNM4 gene. It is expected to result in an absent or disrupted protein product. Loss-of-function variants in CNNM4 are known to be pathogenic (PMID: 19200525). This variant is not present in population databases (ExAC no frequency). This variant has not been reported in the literature in individuals with CNNM4-related conditions. For these reasons, this variant has been classified as Pathogenic.

Literature cited by the submitters: PubMed 19200525.

NM_020184.4(CNNM4):c.750del (p.Asn250fs)

Gene: CNNM4 (cyclin and CBS domain divalent metal cation transport mediator 4; plus strand). Cytogenetic location: 2q11.2.
Variant type: Deletion.
Coding change: c.750del on transcript NM_020184.4 (MANE Select); coding-DNA position 750, one base deleted (C; older notation c.750delC).
Protein change: p.Asn250fs; shifts the reading frame from asparagine 250.
Molecular consequence: frameshift variant.
Genome position (GRCh38, 1-based): chr2:96,761,749, C deleted. VCF-style (leftmost placement, unchanged base first): chr2-96761748-AC-A. GRCh37 (hg19) VCF-style: chr2-97427485-AC-A.
Other names: short protein forms N250fs.
Identifiers: ClinVar variation 1450679 (VCV001450679.6), dbSNP rs2153341719, ClinGen allele CA2573136044.